The following is an entry in ClinVar:

NM_000343.4(SLC5A1):c.1006C>T (p.Arg336Cys)

Gene: SLC5A1 (solute carrier family 5 member 1; plus strand). Cytogenetic location: 22q12.3.
Variant type: single nucleotide variant.
Coding change: c.1006C>T on transcript NM_000343.4 (MANE Select); coding-DNA position 1006, C replaced by T.
Protein change: p.Arg336Cys; replaces arginine 336 with cysteine.
Molecular consequence: missense variant.
Genome position (GRCh38, 1-based): chr22:32,085,020, C>T. VCF-style: chr22-32085020-C-T. GRCh37 (hg19) VCF-style: chr22-32481007-C-T.
Other names: c.625C>T, p.Arg209Cys (NM_001256314.2); short protein forms R209C, R336C.
Identifiers: ClinVar variation 1381467 (VCV001381467.7), dbSNP rs768831308, ClinGen allele CA10198114.

ClinVar aggregate classification (germline): Conflicting classifications of pathogenicity. Review status: criteria provided, conflicting classifications (1 of 4 stars). 2 submissions from 2 submitters: Likely pathogenic (1); Uncertain significance (1). Last evaluated 2023-12-06.

Conditions:
Congenital glucose-galactose malabsorption (GGM). Also called: MONOSACCHARIDE MALABSORPTION; DIARRHEA 16. Identifiers: Orphanet 35710, MedGen C0268186, MONDO:0011731, OMIM 606824.

Allele frequency attached by ClinVar (database versions not stated): gnomAD exomes below 0.00001 and 0.00001; ExAC 0.00001.

Submissions (2):

Labcorp Genetics (formerly Invitae), Labcorp
Classification: Uncertain significance for Congenital glucose-galactose malabsorption. Last evaluated: 2023-12-06. Review status: criteria provided, single submitter. Criteria: Invitae Variant Classification Sherloc (09022015). Collection method: clinical testing. Allele origin: germline.
Comment: This sequence change replaces arginine, which is basic and polar, with cysteine, which is neutral and slightly polar, at codon 336 of the SLC5A1 protein (p.Arg336Cys). This variant is present in population databases (rs768831308, gnomAD 0.003%). This missense change has been observed in individual(s) with glucose‐galactose malabsorption (PMID: 30656007). ClinVar contains an entry for this variant (Variation ID: 1381467). Advanced modeling of protein sequence and biophysical properties (such as structural, functional, and spatial information, amino acid conservation, physicochemical variation, residue mobility, and thermodynamic stability) performed at Invitae indicates that this missense variant is expected to disrupt SLC5A1 protein function with a positive predictive value of 80%. In summary, the available evidence is currently insufficient to determine the role of this variant in disease. Therefore, it has been classified as a Variant of Uncertain Significance.

3billion
Classification: Likely pathogenic for Congenital glucose-galactose malabsorption. Last evaluated: 2022-05-22. Review status: criteria provided, single submitter. Criteria: ACMG Guidelines, 2015. Collection method: clinical testing. Allele origin: germline. Affected: yes. Observed: 1 homozygote.
Comment: The variant is observed at an extremely low frequency in the gnomAD v2.1.1 dataset (total allele frequency: <0.001%). Missense changes are a common disease-causing mechanism. In silico tool predictions suggest damaging effect of the variant on gene or gene product (REVEL: 0.84; 3Cnet: 0.90). Same nucleotide change resulting in same amino acid change has been previously reported to be associated with SLC5A1 related disorder (PMID: 30656007). A different missense change at the same codon (p.Arg336His) has been reported to be associated with SLC5A1 related disorder (ClinVar ID: VCV000803682). Therefore, this variant is classified as likely pathogenic according to the recommendation of ACMG/AMP guideline.

Literature cited by the submitters: PubMed 30656007 (cited by Labcorp Genetics (formerly Invitae), Labcorp and 3billion).